The following is an entry in ClinVar:

ClinVar aggregate classification (germline): Benign. Review status: reviewed by expert panel (3 of 4 stars). 5 submissions from 5 submitters: Benign (1). 4 of the submissions do not count toward it. Last evaluated 2023-12-06.

Conditions:
Angelman syndrome-like. Identifiers: MedGen CN128785.
Developmental and epileptic encephalopathy, 2 (DEE2). Also called: INFANTILE SPASM SYNDROME, X-LINKED 2; CDKL5 deficiency disorder. Identifiers: Orphanet 1934, Orphanet 3451, Orphanet 505652, MedGen C4750718, MONDO:0010396, OMIM 300672.
CDKL5 disorder. Identifiers: MedGen CN296942, MONDO:0100039.

Allele frequency attached by ClinVar (database versions not stated): TOPMed 0.00001; gnomAD 0.00001; gnomAD exomes 0.00003 and 0.00002; 1000 Genomes Project 30x 0.00021; 1000 Genomes Project 0.00026; ExAC 0.00003.
gnomAD v4.1: 36 of 1,210,346 alleles (0.003%); highest among the groups gnomAD compares: Middle Eastern, 0.046%; no homozygotes.

Submissions (5):

ClinGen Rett and Angelman-like Disorders Variant Curation Expert Panel
Classification: Benign for CDKL5 disorder. Last evaluated: 2023-12-06. Review status: reviewed by expert panel. Criteria: ClinGen RettAS ACMG Specifications CDKL5 V3.0.0. Collection method: curation. Allele origin: germline. Inheritance: X-linked inheritance.
Comment: RS1(NM_000330.4) and an alternative transcript of CDKL5 (NM_003159.2) are overlapping transcripts; however, these variants are in the noncoding 3' region of the main CDKL5 transcript (NM_001323289.2). The allele frequency of the c.3083C>T (p.Thr1028Met) variant in CDKL5 transcript (NM_003159.2) (RS1 c.184+3119G>A) is 0.046% in the Middle Eastern sub population in gnomAD v4, which is high enough to be classified as benign based on thresholds defined by the ClinGen Rett/Angelman-like Expert Panel for Rett/AS-like conditions (BA1). Computational analysis prediction tools suggest that the p.Thr1028Met variant does not have a deleterious impact; however this information does not predict clinical significance on its own (BP4). Additionally, the p.Thr1028Met variant is observed in at least 20 unaffected individuals (internal database - Invitae, internal database - GeneDx) (BS2) and at least 7 patients with an alternate molecular basis of disease (internal database – Ambry Genetics, internal database - Invitae, internal database - GeneDx) (BP5_Strong). In summary, the p.Thr1028Met variant in CDKL5 (NM_003159.2) is classified as Benign based on the ACMG/AMP criteria (BA1, BP4, BS2, BP5_Strong).

Labcorp Genetics (formerly Invitae), Labcorp
Classification: Likely benign for Developmental and epileptic encephalopathy, 2; Angelman syndrome-like. Last evaluated: 2025-12-24. Review status: criteria provided, single submitter. Criteria: Invitae Variant Classification Sherloc (09022015). Collection method: clinical testing. Allele origin: germline. Not counted in ClinVar's aggregate classification.

Blueprint Genetics
Classification: Likely benign. Last evaluated: 2020-01-21. Review status: criteria provided, single submitter. Criteria: ACMG Guidelines, 2015. Collection method: clinical testing. Allele origin: germline. Not counted in ClinVar's aggregate classification.

GeneDx
Classification: Likely benign. Last evaluated: 2020-01-08. Review status: criteria provided, single submitter. Criteria: GeneDx Variant Classification Process June 2021. Collection method: clinical testing. Allele origin: germline. Affected: yes. Not counted in ClinVar's aggregate classification.

CeGaT Center for Human Genetics Tuebingen
Classification: Uncertain significance. Last evaluated: 2016-05-01. Review status: criteria provided, single submitter. Criteria: CeGaT Center For Human Genetics Tuebingen Variant Classification Criteria Version 2. Collection method: clinical testing. Allele origin: germline. Affected: yes. Observed: 1 variant allele. Not counted in ClinVar's aggregate classification.

NM_003159.3(CDKL5):c.3083C>T (p.Thr1028Met)

Genes: CDKL5 (cyclin dependent kinase like 5; plus strand), RS1 (retinoschisin 1; minus strand). Cytogenetic location: Xp22.13.
Variant type: single nucleotide variant.
Coding change: c.3083C>T on transcript NM_003159.3; coding-DNA position 3083, C replaced by T.
Protein change: p.Thr1028Met; replaces threonine 1028 with methionine.
Molecular consequence: missense variant. On other transcripts: intron variant (1).
Genome position (GRCh38, 1-based): chrX:18,653,534, C>T. VCF-style: chrX-18653534-C-T. GRCh37 (hg19) VCF-style: chrX-18671654-C-T.
Other names: c.3083C>T, p.Thr1028Met (NM_001037343.2); c.184+3119G>A (NM_000330.4); short protein forms T1028M.
Identifiers: ClinVar variation 810524 (VCV000810524.54), dbSNP rs762576315, ClinGen allele CA10360782.
Genomic context (GRCh38, chrX:18,653,534, plus strand): 5'-TTCACAGGGCCCAGGTAAACCAAGCTGCGCTCCTGACATACCATGAGAATGCGGCACTGA[C>T]GGGCAAGTGACTTCTGCAAGCCTGCGGCTGGTCCCAATGCCCTGAATCACCTCTCTCATG-3'